The following is an entry in ClinVar:

NM_001130987.2(DYSF):c.6170C>A (p.Pro2057Gln)

Gene: DYSF (dysferlin; plus strand). Cytogenetic location: 2p13.2.
Variant type: single nucleotide variant.
Coding change: c.6170C>A on transcript NM_001130987.2 (MANE Select); coding-DNA position 6170, C replaced by A.
Protein change: p.Pro2057Gln; replaces proline 2057 with glutamine.
Molecular consequence: missense variant.
Genome position (GRCh38, 1-based): chr2:71,681,107, C>A. VCF-style: chr2-71681107-C-A. GRCh37 (hg19) VCF-style: chr2-71908237-C-A.
Other names: c.6107C>A, p.Pro2036Gln (NM_001130985.2); c.6014C>A, p.Pro2005Gln (NM_001130986.2); c.6053C>A, p.Pro2018Gln (NM_003494.4); c.6011C>A, p.Pro2004Gln (NM_001130976.2); c.6074C>A, p.Pro2025Gln (NM_001130977.2); c.6116C>A, p.Pro2039Gln (NM_001130978.2); c.6146C>A, p.Pro2049Gln (NM_001130979.2); c.6104C>A, p.Pro2035Gln (NM_001130980.2); and 5 more; short protein forms P2005Q, P2025Q, P2036Q, P2040Q, P2056Q, P2019Q, P2035Q, P2050Q.
Identifiers: ClinVar variation 2743556 (VCV002743556.3), dbSNP rs1232412733, ClinGen allele CA347226916.

ClinVar aggregate classification (germline): Uncertain significance (1 of 4 stars; one submission).

Conditions:
Neuromuscular disease caused by qualitative or quantitative defects of dysferlin. Also called: Dysferlinopathy; Qualitative or quantitative defects of dysferlin. Identifiers: Orphanet 207073, MedGen C2931687, MONDO:0016145.

Submission:

Labcorp Genetics (formerly Invitae), Labcorp
Classification: Uncertain significance for Neuromuscular disease caused by qualitative or quantitative defects of dysferlin. Last evaluated: 2023-07-25. Review status: criteria provided, single submitter. Criteria: Invitae Variant Classification Sherloc (09022015). Collection method: clinical testing. Allele origin: germline.
Comment: This sequence change replaces proline, which is neutral and non-polar, with glutamine, which is neutral and polar, at codon 2018 of the DYSF protein (p.Pro2018Gln). This variant is not present in population databases (gnomAD no frequency). In summary, the available evidence is currently insufficient to determine the role of this variant in disease. Therefore, it has been classified as a Variant of Uncertain Significance. Advanced modeling of protein sequence and biophysical properties (such as structural, functional, and spatial information, amino acid conservation, physicochemical variation, residue mobility, and thermodynamic stability) performed at Invitae indicates that this missense variant is expected to disrupt DYSF protein function. This missense change has been observed in individual(s) with limb-girdle muscular dystrophy (PMID: 34559919).

Literature cited by the submitters: PubMed 34559919.